The following is an entry in ClinVar:

ClinVar aggregate classification (germline): Uncertain significance (1 of 4 stars; one submission).

Submission:

Labcorp Genetics (formerly Invitae), Labcorp
Classification: Uncertain significance. Last evaluated: 2025-04-17. Review status: criteria provided, single submitter. Criteria: Invitae Variant Classification Sherloc (09022015). Collection method: clinical testing. Allele origin: germline.
Comment: This sequence change falls in intron 57 of the HMCN1 gene. It does not directly change the encoded amino acid sequence of the HMCN1 protein. This variant is not present in population databases (gnomAD no frequency). This variant has not been reported in the literature in individuals affected with HMCN1-related conditions. Experimental studies and prediction algorithms are not available or were not evaluated, and the functional significance of this variant is currently unknown. In summary, the available evidence is currently insufficient to determine the role of this variant in disease. Therefore, it has been classified as a Variant of Uncertain Significance.

NM_031935.3(HMCN1):c.8885-34_8885-17del

Gene: HMCN1 (hemicentin 1; plus strand). Cytogenetic location: 1q31.1.
Variant type: Deletion.
Coding change: c.8885-34_8885-17del on transcript NM_031935.3 (MANE Select); 34 bases into the intron before coding-DNA position 8885 through 17 bases into the intron before coding-DNA position 8885, 18 bases deleted (CCTGCTTTCACTTTTAAT).
Molecular consequence: intron variant.
Genome position (GRCh38, 1-based): chr1:186,086,212-186,086,229, CCTGCTTTCACTTTTAAT deleted. VCF-style (leftmost placement, unchanged base first): chr1-186086211-ACCTGCTTTCACTTTTAAT-A. GRCh37 (hg19) VCF-style: chr1-186055343-ACCTGCTTTCACTTTTAAT-A.
Identifiers: ClinVar variation 4717777 (VCV004717777.1).